The following is an entry in ClinVar:

ClinVar aggregate classification (germline): Conflicting classifications of pathogenicity. Review status: criteria provided, conflicting classifications (1 of 4 stars). 4 submissions from 4 submitters: Likely pathogenic (3); Uncertain significance (1). Last evaluated 2025-11-13.

Conditions:
Autosomal recessive Alport syndrome (ATS2). Also called: COL4A3-Related Nephropathy; ALPORT SYNDROME 2, AUTOSOMAL RECESSIVE; Alport syndrome type 2; COL4A4 Alport Syndrome and Thin Basement Membrane Nephropathy. Identifiers: Orphanet 63, Orphanet 88919, MedGen C4746745, MONDO:0008762, OMIM 203780.
Hematuria, benign familial, 1 (BFH1). Also called: THIN MEMBRANE NEPHROPATHY. Identifiers: MedGen CN376803, MONDO:0007709, OMIM 141200.
Inborn genetic diseases. Identifiers: MedGen C0950123, MeSH D030342.
Alport syndrome. Also called: Hemorrhagic familial nephritis; Hemorrhagic hereditary nephritis; Congenital hereditary hematuria. Identifiers: Orphanet 63, MedGen C1567741, MONDO:0018965.

gnomAD v4.1: 1 of 1,613,790 alleles (0.000062%); highest among the groups gnomAD compares: East Asian, 0.0022%; no homozygotes.

Submissions (4):

3billion
Classification: Likely pathogenic for Autosomal recessive Alport syndrome. Last evaluated: 2025-11-13. Review status: criteria provided, single submitter. Criteria: ACMG Guidelines, 2015. Collection method: clinical testing. Allele origin: germline. Affected: yes.
Comment: The variant is observed at an extremely low frequency in the gnomAD v4.1.0 dataset (total allele frequency: <0.001%). Predicted Consequence/Location: The variant is located in a mutational hot spot and/or well-established functional domain in which established pathogenic variants have been reported (PMID: 30311386). In silico tool predictions suggest damaging effect of the variant on gene or gene product [REVEL: 0.97 (>=0.6, sensitivity 0.68 and specificity 0.92); 3Cnet: 0.90 (> 0.75, sensitivity 0.96 and precision 0.92)]. The same nucleotide change resulting in the same amino acid change has been previously reported to be associated with COL4A4-related disorder (ClinVar ID: VCV003382027 /PMID: 19675380).A different missense change at the same codon (p.Gly199Val) has been reported to be associated with COL4A4-related disorder (ClinVar ID: VCV000599121). Therefore, this variant is classified as Likely pathogenic according to the recommendation of ACMG/AMP guideline.

Myriad Genetics, Inc.
Classification: Likely pathogenic for Alport syndrome. Last evaluated: 2025-08-22. Review status: criteria provided, single submitter. Criteria: Myriad Autosomal Dominant, Autosomal Recessive and X-Linked Classification Criteria (2023). Collection method: clinical testing. Allele origin: unknown.
Comment: NM_000092.4(COL4A4):c.595G>A(G199R) is a missense variant classified as likely pathogenic in the context of Alport syndrome, COL4A4-related. G199R has been observed in cases with relevant disease (PMID: 36130833, 19675380). Relevant functional assessments of this variant are not available in the literature. Internal structural analysis of the variant is supportive of pathogenicity. G199R has been observed in referenced population frequency databases. In summary, NM_000092.4(COL4A4):c.595G>A(G199R) is a missense variant that has internal structural support for pathogenicity and has been observed more frequently in cases with the relevant disease than in healthy populations. Please note: this variant was assessed in the context of healthy population screening.

Ambry Genetics
Classification: Uncertain significance for Inborn genetic diseases. Last evaluated: 2025-06-30. Review status: criteria provided, single submitter. Criteria: Ambry Variant Classification Scheme 2023. Collection method: clinical testing. Allele origin: germline.

Juno Genomics, Hangzhou Juno Genomics, Inc
Classification: Likely pathogenic for Hematuria, benign familial, 1; Autosomal recessive Alport syndrome. Review status: criteria provided, single submitter. Criteria: ACMG Guidelines, 2015. Collection method: clinical testing. Allele origin: germline.
Comment: Absent from controls (or at extremely low frequency if recessive) in Genome Aggregation Database.;Multiple lines of computational evidence support a deleterious effect on the gene or gene product.;The prevalence of the variant in affected individuals is significantly increased compared to the prevalence in controls.;Patient's phenotype or family history is highly specific for a disease with a single genetic etiology.

Literature cited by the submitters: PubMed 19675380 (cited by 3billion and Myriad Genetics, Inc.); PubMed 36130833 (cited by Myriad Genetics, Inc.).

NM_000092.5(COL4A4):c.595G>A (p.Gly199Arg)

Gene: COL4A4 (collagen type IV alpha 4 chain; minus strand). Cytogenetic location: 2q36.3.
Variant type: single nucleotide variant.
Coding change: c.595G>A on transcript NM_000092.5 (MANE Select); coding-DNA position 595, G replaced by A.
Protein change: p.Gly199Arg; replaces glycine 199 with arginine.
Molecular consequence: missense variant.
Genome position (GRCh38, 1-based): chr2:227,109,286, C>T on the plus strand (G>A on the coding strand, the complement: COL4A4 is on the minus strand). VCF-style: chr2-227109286-C-T. GRCh37 (hg19) VCF-style: chr2-227974002-C-T.
Other names: short protein forms G199R.
Identifiers: ClinVar variation 3382027 (VCV003382027.6).